The following is an entry in ClinVar:

ClinVar aggregate classification (germline): Uncertain significance (1 of 4 stars; one submission).

gnomAD v4.1: 3 of 1,603,336 alleles (0.00019%); highest among the groups gnomAD compares: Admixed American, 0.0034%; no homozygotes.

Submission:

Labcorp Genetics (formerly Invitae), Labcorp
Classification: Uncertain significance. Last evaluated: 2025-09-10. Review status: criteria provided, single submitter. Criteria: Invitae Variant Classification Sherloc (09022015). Collection method: clinical testing. Allele origin: germline.
Comment: This sequence change replaces proline, which is neutral and non-polar, with leucine, which is neutral and non-polar, at codon 332 of the KLF11 protein (p.Pro332Leu). This variant is present in population databases (rs553083479, gnomAD 0.003%). This variant has not been reported in the literature in individuals affected with KLF11-related conditions. An algorithm developed to predict the effect of missense changes on protein structure and function (PolyPhen-2) suggests that this variant is likely to be disruptive. In summary, the available evidence is currently insufficient to determine the role of this variant in disease. Therefore, it has been classified as a Variant of Uncertain Significance.

NM_003597.5(KLF11):c.995C>T (p.Pro332Leu)

Gene: KLF11 (KLF transcription factor 11; plus strand). Cytogenetic location: 2p25.1.
Variant type: single nucleotide variant.
Coding change: c.995C>T on transcript NM_003597.5 (MANE Select); coding-DNA position 995, C replaced by T.
Protein change: p.Pro332Leu; replaces proline 332 with leucine.
Molecular consequence: missense variant.
Genome position (GRCh38, 1-based): chr2:10,048,332, C>T. VCF-style: chr2-10048332-C-T. GRCh37 (hg19) VCF-style: chr2-10188459-C-T.
Other names: c.944C>T, p.Pro315Leu (NM_001177716.2, NM_001177718.2); short protein forms P332L, P315L.
Identifiers: ClinVar variation 4774566 (VCV004774566.1).
Genomic context (GRCh38, chr2:10,048,332, plus strand): 5'-GGACTGTGAGACCCATCCTAGCTCAGGCTGCTCCAGCGCCTCAACCTGTGTTCGTGGGAC[C>T]TGCTGTGCCTCAGGGAGCTGTGATGTTGGTCCTGCCCCAGGGAGCCCTCCCTCCGCCTGC-3'
Protein context (NP_003588.1, residues 322-342): APAPQPVFVG[Pro332Leu]AVPQGAVMLV